The following is an entry in ClinVar:

NM_001384732.1(CPLANE1):c.570+32G>A

Gene: CPLANE1 (ciliogenesis and planar polarity effector complex subunit 1; minus strand). Cytogenetic location: 5p13.2.
Variant type: single nucleotide variant.
Coding change: c.570+32G>A on transcript NM_001384732.1 (MANE Select); 32 bases into the intron after coding-DNA position 570, G replaced by A.
Molecular consequence: intron variant.
Genome position (GRCh38, 1-based): chr5:37,244,343, C>T on the plus strand (G>A on the coding strand, the complement: CPLANE1 is on the minus strand). VCF-style: chr5-37244343-C-T. GRCh37 (hg19) VCF-style: chr5-37244445-C-T.
Other names: c.570+32G>A (NM_023073.4).
Identifiers: ClinVar variation 158044 (VCV000158044.9), dbSNP rs10072236, ClinGen allele CA171450.

ClinVar aggregate classification (germline): Benign. Review status: criteria provided, multiple submitters, no conflicts (2 of 4 stars). 3 submissions from 3 submitters: Benign (2). 1 of the submissions does not count toward it. Last evaluated 2018-06-30.

Allele frequency attached by ClinVar (database versions not stated): gnomAD exomes 0.00806 and 0.01486; ExAC 0.02628; gnomAD 0.05375 and 0.05734; 1000 Genomes Project 0.05651; ESP Exome Variant Server 0.05848; 1000 Genomes Project 30x 0.05934; TOPMed 0.05996.
gnomAD v4.1: 18,702 of 1,416,246 alleles (1.3%); highest among the groups gnomAD compares: African/African-American, 18%; 1,204 homozygotes.

Submissions (3):

GeneDx
Classification: Benign. Last evaluated: 2018-06-30. Review status: criteria provided, single submitter. Criteria: GeneDx Variant Classification Process June 2021. Collection method: clinical testing. Allele origin: germline. Affected: yes.

Breakthrough Genomics
Classification: Benign. Review status: criteria provided, single submitter. Criteria: ACMG Guidelines, 2015. Collection method: not provided. Allele origin: germline. Inheritance: Autosomal recessive inheritance. Affected: yes.

Genetic Services Laboratory, University of Chicago
Classification: Likely benign. Review status: no assertion criteria provided. Collection method: clinical testing. Allele origin: germline. Inheritance: Autosomal recessive inheritance. Not counted in ClinVar's aggregate classification.
Comment: Likely benign based on allele frequency in 1000 Genomes Project or ESP global frequency and its presence in a patient with a rare or unrelated disease phenotype. NOT Sanger confirmed